The following is an entry in ClinVar:

ClinVar aggregate classification (germline): Uncertain significance (1 of 4 stars; one submission).

Conditions:
Brugada syndrome 8 (BRGDA8). Identifiers: Orphanet 130, MedGen C2751083, MONDO:0013148, OMIM 613123.

Submission:

Labcorp Genetics (formerly Invitae), Labcorp
Classification: Uncertain significance for Brugada syndrome 8. Last evaluated: 2025-09-16. Review status: criteria provided, single submitter. Criteria: Invitae Variant Classification Sherloc (09022015). Collection method: clinical testing. Allele origin: germline.
Comment: This sequence change replaces glycine, which is neutral and non-polar, with aspartic acid, which is acidic and polar, at codon 112 of the HCN4 protein (p.Gly112Asp). This variant is not present in population databases (gnomAD no frequency). This missense change has been observed in individual(s) with arrhythmogenic cardiomyopathy (PMID: 28254188). Invitae Evidence Modeling of protein sequence and biophysical properties (such as structural, functional, and spatial information, amino acid conservation, physicochemical variation, residue mobility, and thermodynamic stability) has been performed for this missense variant. However, the output from this modeling did not meet the statistical confidence thresholds required to predict the impact of this variant on HCN4 protein function. In summary, the available evidence is currently insufficient to determine the role of this variant in disease. Therefore, it has been classified as a Variant of Uncertain Significance.

Literature cited by the submitters: PubMed 28254188.

NM_005477.3(HCN4):c.335G>A (p.Gly112Asp)

Gene: HCN4 (hyperpolarization activated cyclic nucleotide gated potassium channel 4; minus strand). Cytogenetic location: 15q24.1.
Variant type: single nucleotide variant.
Coding change: c.335G>A on transcript NM_005477.3 (MANE Select); coding-DNA position 335, G replaced by A.
Protein change: p.Gly112Asp; replaces glycine 112 with aspartic acid.
Molecular consequence: missense variant.
Genome position (GRCh38, 1-based): chr15:73,367,936, C>T on the plus strand (G>A on the coding strand, the complement: HCN4 is on the minus strand). VCF-style: chr15-73367936-C-T. GRCh37 (hg19) VCF-style: chr15-73660277-C-T.
Other names: short protein forms G112D.
Identifiers: ClinVar variation 4753829 (VCV004753829.1).